The following is an entry in ClinVar:

ClinVar aggregate classification (germline): Uncertain significance. Review status: criteria provided, multiple submitters, no conflicts (2 of 4 stars). 2 submissions from 2 submitters: Uncertain significance (2). Last evaluated 2026-03-01.

Allele frequency attached by ClinVar (database versions not stated): TOPMed below 0.00001; gnomAD 0.00002; ExAC 0.00004; gnomAD exomes 0.00007.
gnomAD v4.1: 103 of 1,614,010 alleles (0.0064%); highest among the groups gnomAD compares: Non-Finnish European, 0.0082%; no homozygotes.

Submissions (2):

CeGaT Center for Human Genetics Tuebingen
Classification: Uncertain significance. Last evaluated: 2026-03-01. Review status: criteria provided, single submitter. Criteria: CeGaT Center For Human Genetics Tuebingen Variant Classification Criteria Version 2. Collection method: clinical testing. Allele origin: germline. Affected: yes. Observed: 1 variant allele.
Comment: LBR: PM2

Labcorp Genetics (formerly Invitae), Labcorp
Classification: Uncertain significance. Last evaluated: 2024-06-28. Review status: criteria provided, single submitter. Criteria: Invitae Variant Classification Sherloc (09022015). Collection method: clinical testing. Allele origin: germline.
Comment: This sequence change replaces alanine, which is neutral and non-polar, with serine, which is neutral and polar, at codon 98 of the LBR protein (p.Ala98Ser). This variant is present in population databases (rs770390134, gnomAD 0.007%). This variant has not been reported in the literature in individuals affected with LBR-related conditions. ClinVar contains an entry for this variant (Variation ID: 1983251). Advanced modeling of protein sequence and biophysical properties (such as structural, functional, and spatial information, amino acid conservation, physicochemical variation, residue mobility, and thermodynamic stability) performed at Invitae indicates that this missense variant is not expected to disrupt LBR protein function with a negative predictive value of 95%. In summary, the available evidence is currently insufficient to determine the role of this variant in disease. Therefore, it has been classified as a Variant of Uncertain Significance.

NM_002296.4(LBR):c.292G>T (p.Ala98Ser)

Gene: LBR (lamin B receptor; minus strand). Cytogenetic location: 1q42.12.
Variant type: single nucleotide variant.
Coding change: c.292G>T on transcript NM_002296.4 (MANE Select); coding-DNA position 292, G replaced by T.
Protein change: p.Ala98Ser; replaces alanine 98 with serine.
Molecular consequence: missense variant.
Genome position (GRCh38, 1-based): chr1:225,422,151, C>A on the plus strand (G>T on the coding strand, the complement: LBR is on the minus strand). VCF-style: chr1-225422151-C-A. GRCh37 (hg19) VCF-style: chr1-225609853-C-A.
Other names: c.292G>T, p.Ala98Ser (NM_194442.3); short protein forms A98S.
Identifiers: ClinVar variation 1983251 (VCV001983251.8), dbSNP rs770390134, ClinGen allele CA1417510.